The following is an entry in ClinVar:

ClinVar aggregate classification (germline): Uncertain significance. Review status: criteria provided, multiple submitters, no conflicts (2 of 4 stars). 5 submissions from 5 submitters: Uncertain significance (4). 1 of the submissions does not count toward it. Last evaluated 2026-05-10.

Conditions:
PKHD1-related disorder. Also called: PKHD1-related condition.
Polycystic kidney disease 4 (PKD4). Also called: POLYCYSTIC KIDNEY DISEASE 4 WITH OR WITHOUT POLYCYSTIC LIVER DISEASE; Autosomal Recessive Polycystic Kidney Disease – PKHD1; POLYCYSTIC KIDNEY AND HEPATIC DISEASE 1; POLYCYSTIC KIDNEY DISEASE, INFANTILE, TYPE I; PKD3. Identifiers: MedGen C4540575, MONDO:0033004, OMIM 263200.
Autosomal recessive polycystic kidney disease (ARPKD). Also called: AR polycystic kidney disease. Identifiers: Orphanet 731, Orphanet 8378, MedGen C0085548, MeSH D017044, MONDO:0009889.

Allele frequency attached by ClinVar (database versions not stated): gnomAD 0.00001 and 0.00002; TOPMed 0.00002; ExAC 0.00008; gnomAD exomes 0.00009.
gnomAD v4.1: 81 of 1,613,656 alleles (0.005%); highest among the groups gnomAD compares: Middle Eastern, 0.15%; 1 homozygote.

Submissions (5):

PreventionGenetics, part of Exact Sciences
Classification: Uncertain significance for PKHD1-related condition. Last evaluated: 2026-05-10. Review status: criteria provided, single submitter. Criteria: ACMG Guidelines, 2015. Collection method: clinical testing. Allele origin: germline.
Comment: The PKHD1 c.8848G>A variant is predicted to result in the amino acid substitution p.Val2950Ile. This variant has been reported as single heterozygous variant in an individual with suspected polycystic kidney disease (Gezgin et al. 2024. PubMed ID: 39473742). This variant is reported in 0.059% of alleles in individuals of South Asian descent in gnomAD. At this time, the clinical significance of this variant is uncertain due to the absence of conclusive functional and genetic evidence.

Fulgent Genetics
Classification: Uncertain significance for Polycystic kidney disease 4. Last evaluated: 2024-04-26. Review status: criteria provided, single submitter. Criteria: ACMG Guidelines, 2015. Collection method: clinical testing. Allele origin: germline.

Labcorp Genetics (formerly Invitae), Labcorp
Classification: Uncertain significance for Autosomal recessive polycystic kidney disease. Last evaluated: 2022-06-03. Review status: criteria provided, single submitter. Criteria: Invitae Variant Classification Sherloc (09022015). Collection method: clinical testing. Allele origin: germline.
Comment: This sequence change replaces valine, which is neutral and non-polar, with isoleucine, which is neutral and non-polar, at codon 2950 of the PKHD1 protein (p.Val2950Ile). This variant is present in population databases (rs768138709, gnomAD 0.06%), including at least one homozygous and/or hemizygous individual. This variant has not been reported in the literature in individuals affected with PKHD1-related conditions. ClinVar contains an entry for this variant (Variation ID: 645696). Algorithms developed to predict the effect of missense changes on protein structure and function are either unavailable or do not agree on the potential impact of this missense change (SIFT: "Deleterious"; PolyPhen-2: "Probably Damaging"; Align-GVGD: "Class C0"). In summary, the available evidence is currently insufficient to determine the role of this variant in disease. Therefore, it has been classified as a Variant of Uncertain Significance.

Genome-Nilou Lab
Classification: Uncertain significance for Polycystic kidney disease 4. Last evaluated: 2021-07-22. Review status: criteria provided, single submitter. Criteria: ACMG Guidelines, 2015. Collection method: clinical testing. Allele origin: germline. Affected: no.

Natera, Inc.
Classification: Uncertain significance for Autosomal recessive polycystic kidney disease. Last evaluated: 2018-10-24. Review status: no assertion criteria provided. Collection method: clinical testing. Allele origin: germline. Not counted in ClinVar's aggregate classification.

NM_138694.4(PKHD1):c.8848G>A (p.Val2950Ile)

Gene: PKHD1 (PKHD1 ciliary IPT domain containing fibrocystin/polyductin; minus strand). Cytogenetic location: 6p12.3.
Variant type: single nucleotide variant.
Coding change: c.8848G>A on transcript NM_138694.4 (MANE Select); coding-DNA position 8848, G replaced by A.
Protein change: p.Val2950Ile; replaces valine 2950 with isoleucine.
Molecular consequence: missense variant.
Genome position (GRCh38, 1-based): chr6:51,753,303, C>T on the plus strand (G>A on the coding strand, the complement: PKHD1 is on the minus strand). VCF-style: chr6-51753303-C-T. GRCh37 (hg19) VCF-style: chr6-51618101-C-T.
Other names: c.8848G>A, p.Val2950Ile (NM_170724.3); short protein forms V2950I.
Identifiers: ClinVar variation 645696 (VCV000645696.9), dbSNP rs768138709, ClinGen allele CA3851504.
Genomic context (GRCh38, chr6:51,753,303, plus strand): 5'-ACAGTCTCCCCCTACATGATACGTCAGGCTGAATTTGTATATTTCGGGTCAACAGTCCAA[C>T]CTCAGCAGCCAAACGAATGTGTCGGCCATCCTCCGTGACATGTACACTTCCTGGGGCAAT-3'
Protein context (NP_619639.3, residues 2940-2960): DGRHIRLAAE[Val2950Ile]GLLTRNIQIQ